The following is an entry in ClinVar:

ClinVar aggregate classification (germline): Uncertain significance. Review status: criteria provided, multiple submitters, no conflicts (2 of 4 stars). 2 submissions from 2 submitters: Uncertain significance (2). Last evaluated 2024-09-26.

Allele frequency attached by ClinVar (database versions not stated): gnomAD exomes 0.00001; gnomAD 0.00005; TOPMed 0.00007.
gnomAD v4.1: 11 of 1,610,502 alleles (0.00068%); highest among the groups gnomAD compares: Admixed American, 0.015%; no homozygotes.

Submissions (2):

Ambry Genetics
Classification: Uncertain significance. Last evaluated: 2024-09-26. Review status: criteria provided, single submitter. Criteria: Ambry Variant Classification Scheme 2023. Collection method: clinical testing. Allele origin: germline.

Labcorp Genetics (formerly Invitae), Labcorp
Classification: Uncertain significance. Last evaluated: 2022-08-23. Review status: criteria provided, single submitter. Criteria: Invitae Variant Classification Sherloc (09022015). Collection method: clinical testing. Allele origin: germline.
Comment: In summary, the available evidence is currently insufficient to determine the role of this variant in disease. Therefore, it has been classified as a Variant of Uncertain Significance. Algorithms developed to predict the effect of missense changes on protein structure and function are either unavailable or do not agree on the potential impact of this missense change (SIFT: "Not Available"; PolyPhen-2: "Probably Damaging"; Align-GVGD: "Not Available"). This variant has not been reported in the literature in individuals affected with POC5-related conditions. This variant is present in population databases (no rsID available, gnomAD 0.003%). This sequence change replaces asparagine, which is neutral and polar, with tyrosine, which is neutral and polar, at codon 382 of the POC5 protein (p.Asn382Tyr).

NM_001099271.2(POC5):c.1144A>T (p.Asn382Tyr)

Gene: POC5 (POC5 centriolar protein; minus strand). Cytogenetic location: 5q13.3.
Variant type: single nucleotide variant.
Coding change: c.1144A>T on transcript NM_001099271.2 (MANE Select); coding-DNA position 1144, A replaced by T.
Protein change: p.Asn382Tyr; replaces asparagine 382 with tyrosine.
Molecular consequence: missense variant.
Genome position (GRCh38, 1-based): chr5:75,685,470, T>A on the plus strand (A>T on the coding strand, the complement: POC5 is on the minus strand). VCF-style: chr5-75685470-T-A. GRCh37 (hg19) VCF-style: chr5-74981295-T-A.
Other names: c.1069A>T, p.Asn357Tyr (NM_152408.3); c.1144A>T (NM_001099271.1); short protein forms N357Y, N382Y.
Identifiers: ClinVar variation 1932005 (VCV001932005.6), dbSNP rs1221114605, ClinGen allele CA360145048.